The following is an entry in ClinVar:

NM_054012.4(ASS1):c.1135G>A (p.Val379Met)

Gene: ASS1 (argininosuccinate synthase 1; plus strand). Cytogenetic location: 9q34.11.
Variant type: single nucleotide variant.
Coding change: c.1135G>A on transcript NM_054012.4 (MANE Select); coding-DNA position 1135, G replaced by A.
Protein change: p.Val379Met; replaces valine 379 with methionine.
Molecular consequence: missense variant.
Genome position (GRCh38, 1-based): chr9:130,499,512, G>A. VCF-style: chr9-130499512-G-A. GRCh37 (hg19) VCF-style: chr9-133374899-G-A.
Other names: c.1135G>A, p.Val379Met (NM_000050.4); short protein forms V379M.
Identifiers: ClinVar variation 2031650 (VCV002031650.2), dbSNP rs78549067, ClinGen allele CA5283656.

ClinVar aggregate classification (germline): Uncertain significance. Review status: criteria provided, multiple submitters, no conflicts (2 of 4 stars). 2 submissions from 2 submitters: Uncertain significance (2). Last evaluated 2022-10-05.

Conditions:
Inborn genetic diseases. Identifiers: MedGen C0950123, MeSH D030342.
Citrullinemia. Identifiers: Orphanet 187, MedGen C0175683, MONDO:0015991.

Allele frequency attached by ClinVar (database versions not stated): ExAC 0.00004; ESP Exome Variant Server 0.00008.
gnomAD v4.1: 42 of 1,613,592 alleles (0.0026%); highest among the groups gnomAD compares: Non-Finnish European, 0.0026%; no homozygotes.

Submissions (2):

Labcorp Genetics (formerly Invitae), Labcorp
Classification: Uncertain significance for Citrullinemia. Last evaluated: 2022-10-05. Review status: criteria provided, single submitter. Criteria: Invitae Variant Classification Sherloc (09022015). Collection method: clinical testing. Allele origin: germline.
Comment: This sequence change replaces valine, which is neutral and non-polar, with methionine, which is neutral and non-polar, at codon 379 of the ASS1 protein (p.Val379Met). This variant is present in population databases (rs78549067, gnomAD 0.01%). This variant has not been reported in the literature in individuals affected with ASS1-related conditions. Advanced modeling of protein sequence and biophysical properties (such as structural, functional, and spatial information, amino acid conservation, physicochemical variation, residue mobility, and thermodynamic stability) performed at Invitae indicates that this missense variant is not expected to disrupt ASS1 protein function. In summary, the available evidence is currently insufficient to determine the role of this variant in disease. Therefore, it has been classified as a Variant of Uncertain Significance.

Ambry Genetics
Classification: Uncertain significance for Inborn genetic diseases. Last evaluated: 2021-12-28. Review status: criteria provided, single submitter. Criteria: Ambry Variant Classification Scheme 2023. Collection method: clinical testing. Allele origin: germline.